The following is an entry in ClinVar:

NM_001142864.4(PIEZO1):c.2375C>T (p.Ala792Val)

Genes: HSALR1 (HSP90AB1 associated lncRNA 1; plus strand), PIEZO1 (piezo type mechanosensitive ion channel component 1 (Er blood group); minus strand). Cytogenetic location: 16q24.3.
Variant type: single nucleotide variant.
Coding change: c.2375C>T on transcript NM_001142864.4 (MANE Select); coding-DNA position 2375, C replaced by T.
Protein change: p.Ala792Val; replaces alanine 792 with valine.
Molecular consequence: missense variant.
Genome position (GRCh38, 1-based): chr16:88,733,700, G>A on the plus strand (C>T on the coding strand, the complement: PIEZO1 is on the minus strand). VCF-style: chr16-88733700-G-A. GRCh37 (hg19) VCF-style: chr16-88800108-G-A.
Other names: c.917C>T, p.Ala306Val (NM_014745.1); short protein forms A306V, A792V.
Identifiers: ClinVar variation 3006813 (VCV003006813.5), dbSNP rs977657640, ClinGen allele CA286422842.

ClinVar aggregate classification (germline): Uncertain significance. Review status: criteria provided, multiple submitters, no conflicts (2 of 4 stars). 2 submissions from 2 submitters: Uncertain significance (2). Last evaluated 2025-04-30.

Allele frequency attached by ClinVar (database versions not stated): TOPMed below 0.00001.
gnomAD v4.1: 2 of 1,548,862 alleles (0.00013%); no homozygotes.

Submissions (2):

Dasa
Classification: Uncertain significance. Last evaluated: 2025-04-30. Review status: criteria provided, single submitter. Criteria: DASA Assertion Criteria. Collection method: clinical testing. Allele origin: germline.
Comment: NM_001142864.4(PIEZO1):c.2375C>T (p.Ala792Val) is a missense variant that results in the substitution of alanine with valine. This variant is rare in population databases. Computational prediction algorithms are consistent with a benign effect. The currently available literature and clinical evidence are not sufficient to establish a definitive association between this variant and the reported condition. Therefore, this variant is classified as a variant of uncertain significance.

Labcorp Genetics (formerly Invitae), Labcorp
Classification: Uncertain significance. Last evaluated: 2023-03-09. Review status: criteria provided, single submitter. Criteria: Invitae Variant Classification Sherloc (09022015). Collection method: clinical testing. Allele origin: germline.
Comment: This sequence change replaces alanine, which is neutral and non-polar, with valine, which is neutral and non-polar, at codon 792 of the PIEZO1 protein (p.Ala792Val). This variant is not present in population databases (gnomAD no frequency). This variant has not been reported in the literature in individuals affected with PIEZO1-related conditions. Advanced modeling of protein sequence and biophysical properties (such as structural, functional, and spatial information, amino acid conservation, physicochemical variation, residue mobility, and thermodynamic stability) performed at Invitae indicates that this missense variant is not expected to disrupt PIEZO1 protein function. In summary, the available evidence is currently insufficient to determine the role of this variant in disease. Therefore, it has been classified as a Variant of Uncertain Significance.